The following is an entry in ClinVar:

ClinVar aggregate classification (germline): Uncertain significance. Review status: criteria provided, multiple submitters, no conflicts (2 of 4 stars). 2 submissions from 2 submitters: Uncertain significance (2). Last evaluated 2022-07-01.

Conditions:
Atrial fibrillation, familial, 18 (ATFB18). Identifiers: MedGen C4310636, MONDO:0015001, OMIM 617280.

Allele frequency attached by ClinVar (database versions not stated): TOPMed 0.00002; gnomAD exomes 0.00001.
gnomAD v4.1: 12 of 1,613,686 alleles (0.00074%); highest among the groups gnomAD compares: South Asian, 0.0077%; no homozygotes.

Submissions (2):

Labcorp Genetics (formerly Invitae), Labcorp
Classification: Uncertain significance for Atrial fibrillation, familial, 18. Last evaluated: 2022-07-01. Review status: criteria provided, single submitter. Criteria: Invitae Variant Classification Sherloc (09022015). Collection method: clinical testing. Allele origin: germline.
Comment: In summary, the available evidence is currently insufficient to determine the role of this variant in disease. Therefore, it has been classified as a Variant of Uncertain Significance. Algorithms developed to predict the effect of missense changes on protein structure and function are either unavailable or do not agree on the potential impact of this missense change (SIFT: "Deleterious"; PolyPhen-2: "Probably Damaging"; Align-GVGD: "Class C0"). This variant has not been reported in the literature in individuals affected with MYL4-related conditions. This variant is present in population databases (rs757162928, gnomAD 0.003%). This sequence change replaces arginine, which is basic and polar, with glutamine, which is neutral and polar, at codon 156 of the MYL4 protein (p.Arg156Gln).

Ambry Genetics
Classification: Uncertain significance. Last evaluated: 2022-05-27. Review status: criteria provided, single submitter. Criteria: Ambry Variant Classification Scheme 2023. Collection method: clinical testing. Allele origin: germline.

NM_002476.2(MYL4):c.467G>A (p.Arg156Gln)

Gene: MYL4 (myosin light chain 4; plus strand). Cytogenetic location: 17q21.32.
Variant type: single nucleotide variant.
Coding change: c.467G>A on transcript NM_002476.2 (MANE Select); coding-DNA position 467, G replaced by A.
Protein change: p.Arg156Gln; replaces arginine 156 with glutamine.
Molecular consequence: missense variant.
Genome position (GRCh38, 1-based): chr17:47,221,835, G>A. VCF-style: chr17-47221835-G-A. GRCh37 (hg19) VCF-style: chr17-45299201-G-A.
Other names: c.467G>A, p.Arg156Gln (NM_001002841.2); short protein forms R156Q.
Identifiers: ClinVar variation 2065442 (VCV002065442.5), dbSNP rs757162928, ClinGen allele CA8622747.
Genomic context (GRCh38, chr17:47,221,835, plus strand): 5'-TGGAGGGCCTGCGTGTCTTTGACAAGGAGAGCAATGGCACGGTCATGGGTGCTGAGCTTC[G>A]GCACGTCCTTGCCACCCTGGGTATGCCAGCTGGGCAGAGATGAAGACCAAGTGGGAGGAA-3'
Protein context (NP_002467.1, residues 146-166): SNGTVMGAEL[Arg156Gln]HVLATLGEKM